The following is an entry in ClinVar:

NM_000257.4(MYH7):c.5340G>A (p.Glu1780=)

Gene: MYH7 (myosin heavy chain 7; minus strand). Cytogenetic location: 14q11.2.
Variant type: single nucleotide variant.
Coding change: c.5340G>A on transcript NM_000257.4 (MANE Select); coding-DNA position 5340, G replaced by A.
Protein change: p.Glu1780=; no amino-acid change (glutamic acid 1780 retained).
Molecular consequence: synonymous variant.
Genome position (GRCh38, 1-based): chr14:23,415,214, C>T on the plus strand (G>A on the coding strand, the complement: MYH7 is on the minus strand). VCF-style: chr14-23415214-C-T. GRCh37 (hg19) VCF-style: chr14-23884423-C-T.
Identifiers: ClinVar variation 700505 (VCV000700505.13), dbSNP rs752882625, ClinGen allele CA046518.

ClinVar aggregate classification (germline): Likely benign. Review status: criteria provided, multiple submitters, no conflicts (2 of 4 stars). 4 submissions from 4 submitters: Likely benign (4). Last evaluated 2026-04-14.

Conditions:
Cardiovascular phenotype. Identifiers: MedGen CN230736.
Hypertrophic cardiomyopathy. Also called: HYPERTROPHIC MYOCARDIOPATHY. Identifiers: Orphanet 217569, MedGen C0007194, MeSH D002312, MONDO:0005045, HP:0001639.
Cardiomyopathy (CMYO). Also called: Cardiomyopathies. Identifiers: Orphanet 167848, MedGen C0878544, MONDO:0004994, HP:0001638. Inheritance: Various modes of inheritance.

Allele frequency attached by ClinVar (database versions not stated): gnomAD exomes 0.00001 and below 0.00001; TOPMed below 0.00001; ExAC 0.00001; gnomAD 0.00002.
gnomAD v4.1: 14 of 1,614,158 alleles (0.00087%); highest among the groups gnomAD compares: Non-Finnish European, 0.00093%; no homozygotes.

Submissions (4):

Ambry Genetics
Classification: Likely benign for Cardiovascular phenotype. Last evaluated: 2026-04-14. Review status: criteria provided, single submitter. Criteria: Ambry Variant Classification Scheme 2023. Collection method: clinical testing. Allele origin: germline.

Labcorp Genetics (formerly Invitae), Labcorp
Classification: Likely benign for Hypertrophic cardiomyopathy. Last evaluated: 2025-09-02. Review status: criteria provided, single submitter. Criteria: Invitae Variant Classification Sherloc (09022015). Collection method: clinical testing. Allele origin: germline.

All of Us Research Program, National Institutes of Health
Classification: Likely benign for Cardiomyopathy. Last evaluated: 2023-08-15. Review status: criteria provided, single submitter. Criteria: ACMG Guidelines, 2015. Collection method: clinical testing. Allele origin: germline. Inheritance: Autosomal dominant inheritance. Observed: 3 variant alleles, 3 heterozygotes.
Comment: This study involves interpretation of variants in research participants for the purpose of population health screening. Participant phenotype was not available at the time of variant classification. Additional details can be found in publication PMID: 35346344, PMCID: PMC8962531

Color Diagnostics, LLC DBA Color Health
Classification: Likely benign for Cardiomyopathy. Last evaluated: 2019-11-06. Review status: criteria provided, single submitter. Criteria: ACMG Guidelines, 2015. Collection method: clinical testing. Allele origin: germline.